The following is an entry in ClinVar:

ClinVar aggregate classification (germline): Uncertain significance (1 of 4 stars; one submission).

Conditions:
Muscular dystrophy-dystroglycanopathy (congenital with brain and eye anomalies), type a, 11 (MDDGA11). Also called: Congenital muscular dystrophy-dystroglycanopathy with brain and eye anomalies, type A11; WALKER-WARBURG SYNDROME OR MUSCLE-EYE-BRAIN DISEASE, B3GALNT2-RELATED; Muscular dystrophy-dystroglycanopathy (congenital with brain and eye anomalies, type A, 11. Identifiers: Orphanet 588, Orphanet 899, MedGen C3554638, MONDO:0014071, OMIM 615181.

Submission:

Labcorp Genetics (formerly Invitae), Labcorp
Classification: Uncertain significance for Muscular dystrophy-dystroglycanopathy (congenital with brain and eye anomalies), type a, 11. Last evaluated: 2022-05-04. Review status: criteria provided, single submitter. Criteria: Invitae Variant Classification Sherloc (09022015). Collection method: clinical testing. Allele origin: germline.
Comment: This variant is not present in population databases (gnomAD no frequency). In summary, the available evidence is currently insufficient to determine the role of this variant in disease. Therefore, it has been classified as a Variant of Uncertain Significance. Algorithms developed to predict the effect of missense changes on protein structure and function are either unavailable or do not agree on the potential impact of this missense change (SIFT: "Deleterious"; PolyPhen-2: "Probably Damaging"; Align-GVGD: "Class C0"). This variant has not been reported in the literature in individuals affected with B3GALNT2-related conditions. This sequence change replaces cysteine, which is neutral and slightly polar, with tryptophan, which is neutral and slightly polar, at codon 11 of the B3GALNT2 protein (p.Cys11Trp).

NM_152490.5(B3GALNT2):c.33T>G (p.Cys11Trp)

Gene: B3GALNT2 (beta-1,3-N-acetylgalactosaminyltransferase 2; minus strand). Cytogenetic location: 1q42.3.
Variant type: single nucleotide variant.
Coding change: c.33T>G on transcript NM_152490.5 (MANE Select); coding-DNA position 33, T replaced by G.
Protein change: p.Cys11Trp; replaces cysteine 11 with tryptophan.
Molecular consequence: missense variant.
Genome position (GRCh38, 1-based): chr1:235,504,220, A>C on the plus strand (T>G on the coding strand, the complement: B3GALNT2 is on the minus strand). VCF-style: chr1-235504220-A-C. GRCh37 (hg19) VCF-style: chr1-235667520-A-C.
Other names: c.33T>G, p.Cys11Trp (NM_001277155.3); short protein forms C11W.
Identifiers: ClinVar variation 2077983 (VCV002077983.4), dbSNP rs751856496, ClinGen allele CA344937447.